The following is an entry in ClinVar:

ClinVar aggregate classification (germline): Uncertain significance (1 of 4 stars; one submission).

Conditions:
Aicardi-Goutieres syndrome 7 (AGS7). Identifiers: Orphanet 51, MedGen C3888244, MONDO:0014367, OMIM 615846.
Singleton-Merten syndrome 1 (SGMRT1). Also called: Widened medullary cavities of bone, aortic calcification, abnormal dentition, and muscular weakness; Syndrome of widened medullary cavities of the metacarpals and phalanges, aortic calcification and abnormal dentition. Identifiers: Orphanet 85191, MedGen C4225427, MONDO:0024535, OMIM 182250.

Submission:

Labcorp Genetics (formerly Invitae), Labcorp
Classification: Uncertain significance for Aicardi-Goutieres syndrome 7; Singleton-Merten syndrome 1. Last evaluated: 2025-04-08. Review status: criteria provided, single submitter. Criteria: Invitae Variant Classification Sherloc (09022015). Collection method: clinical testing. Allele origin: germline.
Comment: This sequence change replaces phenylalanine, which is neutral and non-polar, with leucine, which is neutral and non-polar, at codon 905 of the IFIH1 protein (p.Phe905Leu). This variant is not present in population databases (gnomAD no frequency). This variant has not been reported in the literature in individuals affected with IFIH1-related conditions. ClinVar contains an entry for this variant (Variation ID: 2936267). An algorithm developed to predict the effect of missense changes on protein structure and function outputs the following: PolyPhen-2: "Benign". The leucine amino acid residue is found in multiple mammalian species, which suggests that this missense change does not adversely affect protein function. In summary, the available evidence is currently insufficient to determine the role of this variant in disease. Therefore, it has been classified as a Variant of Uncertain Significance.

NM_022168.4(IFIH1):c.2713T>C (p.Phe905Leu)

Gene: IFIH1 (interferon induced with helicase C domain 1; minus strand). Cytogenetic location: 2q24.2.
Variant type: single nucleotide variant.
Coding change: c.2713T>C on transcript NM_022168.4 (MANE Select); coding-DNA position 2713, T replaced by C.
Protein change: p.Phe905Leu; replaces phenylalanine 905 with leucine.
Molecular consequence: missense variant.
Genome position (GRCh38, 1-based): chr2:162,268,181, A>G on the plus strand (T>C on the coding strand, the complement: IFIH1 is on the minus strand). VCF-style: chr2-162268181-A-G. GRCh37 (hg19) VCF-style: chr2-163124691-A-G.
Other names: short protein forms F905L.
Identifiers: ClinVar variation 2936267 (VCV002936267.3), dbSNP rs2468944608, ClinGen allele CA348991326.